The following is an entry in ClinVar:

ClinVar aggregate classification (germline): Uncertain significance (1 of 4 stars; one submission).

gnomAD v4.1: 1 of 1,614,172 alleles (0.000062%); highest among the groups gnomAD compares: Non-Finnish European, 0.000085%; no homozygotes.

Submission:

Mayo Clinic Laboratories, Mayo Clinic
Classification: Uncertain significance. Last evaluated: 2025-09-25. Review status: criteria provided, single submitter. Criteria: ACMG Guidelines, 2015. Collection method: clinical testing. Allele origin: germline. Observed: 1 variant allele.
Comment: PM2_supporting

NM_015378.4(VPS13D):c.3043G>A (p.Asp1015Asn)

Gene: VPS13D (vacuolar protein sorting 13 homolog D; plus strand). Cytogenetic location: 1p36.22.
Variant type: single nucleotide variant.
Coding change: c.3043G>A on transcript NM_015378.4 (MANE Select); coding-DNA position 3043, G replaced by A.
Protein change: p.Asp1015Asn; replaces aspartic acid 1015 with asparagine.
Molecular consequence: missense variant.
Genome position (GRCh38, 1-based): chr1:12,276,631, G>A. VCF-style: chr1-12276631-G-A. GRCh37 (hg19) VCF-style: chr1-12336688-G-A.
Other names: p.Asp1015Asn; c.3043G>A, p.Asp1015Asn (NM_018156.4); short protein forms D1015N.
Identifiers: ClinVar variation 4540683 (VCV004540683.1).